The following is an entry in ClinVar:

NM_015896.4(ZMYND10):c.700+2T>C

Gene: ZMYND10 (zinc finger MYND-type containing 10; minus strand). Cytogenetic location: 3p21.31.
Variant type: single nucleotide variant.
Coding change: c.700+2T>C on transcript NM_015896.4 (MANE Select); the canonical splice donor site of the intron after coding-DNA position 700, T replaced by C.
Molecular consequence: splice donor variant. On other transcripts: intron variant (1).
Genome position (GRCh38, 1-based): chr3:50,342,916, A>G on the plus strand (T>C on the coding strand, the complement: ZMYND10 is on the minus strand). VCF-style: chr3-50342916-A-G. GRCh37 (hg19) VCF-style: chr3-50380347-A-G.
Other names: c.599+202T>C (NM_001308379.2).
Identifiers: ClinVar variation 3775188 (VCV003775188.1).
Genomic context (GRCh38, chr3:50,342,916, plus strand): 5'-TCTATCAAAAAGATACCCTGAAGCAGTAGCCTGGGGCTTAGGCTGGTGGGGGAGGACCCT[A>G]CCTCCTTCCCGCCGGCTCCAGGGACTATGCTCCAGCAGTTCCACCAGGAGGCAGGGCAGG-3'

ClinVar aggregate classification (germline): Pathogenic (1 of 4 stars; one submission).

Conditions:
Primary ciliary dyskinesia 22. Also called: CILIARY DYSKINESIA, PRIMARY, 22, WITH OR WITHOUT SITUS INVERSUS. Identifiers: Orphanet 244, MedGen C3809543, MONDO:0014192, OMIM 615444.

gnomAD v4.1: 6 of 1,613,592 alleles (0.00037%); highest among the groups gnomAD compares: East Asian, 0.013%; no homozygotes.

Submission:

3billion
Classification: Pathogenic for Primary ciliary dyskinesia 22. Last evaluated: 2024-01-21. Review status: criteria provided, single submitter. Criteria: ACMG Guidelines, 2015. Collection method: clinical testing. Allele origin: germline. Affected: yes.
Comment: The variant is observed at an extremely low frequency in the gnomAD v2.1.1 dataset (total allele frequency: 0.002%). Predicted Consequence/Location: Canonical splice site: predicted to alter splicing and result in a loss or disruption of normal protein function. Multiple pathogenic loss-of-function variants are reported downstream of the variant. In silico tools predict the variant to alter splicing and produce an abnormal transcript [Splice AI: 0.72 (spliceogenicity >=0.2, non-spliceogenicity <0.1)]. Therefore, this variant is classified as Pathogenic according to the recommendation of ACMG/AMP guideline.